The following continues an entry in ClinVar:

NM_001048174.2(MUTYH):c.849+3A>C

Gene: MUTYH. ClinVar aggregate classification (germline): Pathogenic/Likely pathogenic. Pathogenic (27); Likely pathogenic (2).

Submissions 31 to 33 of 33:

Department of Pathology and Laboratory Medicine, Sinai Health System
Classification: Pathogenic for Carcinoma of colon. Review status: no assertion criteria provided. Collection method: clinical testing. Allele origin: unknown. Affected: yes. Observed: 3 variant alleles. Study: The Canadian Open Genetics Repository (COGR). Not counted in ClinVar's aggregate classification.
Comment: The MUTYH c.933+3A>C variant was identified in 27 of 1210 proband chromosomes (frequency: 0.022) from individuals or families with polyposis coli or colorectal cancer, and was not identified in 340 control chromosomes from healthy individuals (Kanter-Smoler 2006, Nielsen 2005, Pin 2013, Sampson 2003, Vogt 2009). Most of the probands described in these studies were heterozygous for the variant and had a second MUTYH variant (compound heterozygotes); while one proband from a study by Pin (2013) was homozygous for the variant. The variant was also identified in the â€šÃ„ÃºInSiGHT Colon Cancer Databaseâ€šÃ„Ã¹, HGMD, UMD (33X as a causal variant) and the ClinVar database (with â€šÃ„Ãºpathogenicâ€šÃ„Ã¹ clinical significance, submitted by Ambry Genetics and Invitae). The c.933+3A>C variant is located in the 5' splice region but does not affect the invariant +1 and +2 positions. However, positions +3 to +6 are part of the splicing consensus sequence and variants involving these positions sometimes affect splicing. Four out of five in silico or computational prediction software programs (SpliceSiteFinder, MaxEntScan, NNSPLICE, GeneSplicer, HumanSpliceFinder) predict a greater than 10% difference in splicing. Analysis of mRNA in functional studies by Ruggieri (2013) and Pin (2013) have shown that this variant affects splicing, resulting skipping of exon 10 in mRNA transcripts. Protein analysis from these studies demonstrated reduced levels of MUTYH protein, although the amount of protein varied greatly, depending on the second MUTYH mutation in compound heterozygotes. Pin (2013) notes that traces of full-length transcripts and wild-type protein were found in cells homozygous for the variant, suggesting some transcripts may escape from aberrant splicing. The authors of this study found this in agreement with clinical findings in a homozygous proband, who presented with a relatively mild phenotype (attenuated polyposis). In summary, based on the above information, this variant meets our laboratoryâ€šÃ„Ã´s criteria to be classified as pathogenic.

Dr. Peter K. Rogan Lab, Western University
No classification provided (evidence only). Condition: Sarcoma. Review status: no classification provided. Collection method: in vitro. Allele origin: not applicable. Functional consequence: retained intron. Not counted in ClinVar's aggregate classification.

Centre for Mendelian Genomics, University Medical Centre Ljubljana
Classification: Uncertain significance for Colon cancer. Last evaluated: 2017-01-01. Review status: flagged submission. Criteria: ACMG Guidelines, 2015. Collection method: clinical testing. Allele origin: unknown. Affected: yes. Not counted in ClinVar's aggregate classification.
ClinVar note: Reason: Older and outlier claim with insufficient supporting evidence

Literature cited by the submitters: PubMed 16616356 (cited by 8 submitters); PubMed 22865608 (cited by 11 submitters); PubMed 28135145 (cited by 5 submitters); PubMed 6616356 (cited by Dasa); PubMed 12853198 (cited by 10 submitters); PubMed 19732775 (cited by 8 submitters); PubMed 22773231 (cited by 7 submitters); PubMed 17576681 (cited by Labcorp Genetics (formerly Invitae), Labcorp); PubMed 9536098 (cited by Labcorp Genetics (formerly Invitae), Labcorp); PubMed 18495334 (cited by 3 submitters); PubMed 20618354 (cited by 4 submitters); PubMed 27829682 (cited by 6 submitters); PubMed 15523092 (cited by Women's Health and Genetics/Laboratory Corporation of America, LabCorp); PubMed 23108399 (cited by 6 submitters); PubMed 30604180 (cited by 3 submitters); PubMed 32088803 (cited by Ambry Genetics and Quest Diagnostics Nichols Institute San Juan Capistrano); PubMed 29478780 (cited by All of Us Research Program, National Institutes of Health and Color Diagnostics, LLC DBA Color Health); PubMed 30564557 (cited by All of Us Research Program, National Institutes of Health and Color Diagnostics, LLC DBA Color Health); PubMed 33606809 (cited by All of Us Research Program, National Institutes of Health and Color Diagnostics, LLC DBA Color Health); PubMed 34506673 (cited by All of Us Research Program, National Institutes of Health and Color Diagnostics, LLC DBA Color Health); PubMed 35668106 (cited by All of Us Research Program, National Institutes of Health and Color Diagnostics, LLC DBA Color Health); PubMed 34326862 (cited by Quest Diagnostics Nichols Institute San Juan Capistrano); PubMed 28873162 (cited by Department of Pediatrics, Memorial Sloan Kettering Cancer Center).